The following is an entry in ClinVar:

ClinVar aggregate classification (germline): Uncertain significance. Review status: criteria provided, multiple submitters, no conflicts (2 of 4 stars). 2 submissions from 2 submitters: Uncertain significance (2). Last evaluated 2025-05-05.

Conditions:
Inborn genetic diseases. Identifiers: MedGen C0950123, MeSH D030342.

gnomAD v4.1: 1 of 1,206,223 alleles (0.000083%); highest among the groups gnomAD compares: Non-Finnish European, 0.00011%; no homozygotes.

Submissions (2):

Ambry Genetics
Classification: Uncertain significance for Inborn genetic diseases. Last evaluated: 2025-05-05. Review status: criteria provided, single submitter. Criteria: Ambry Variant Classification Scheme 2023. Collection method: clinical testing. Allele origin: germline.

GeneDx
Classification: Uncertain significance. Last evaluated: 2025-04-26. Review status: criteria provided, single submitter. Criteria: GeneDx Variant Classification Process June 2021. Collection method: clinical testing. Allele origin: germline. Affected: yes.
Comment: Not observed at significant frequency in large population cohorts (gnomAD); In silico analysis indicates that this missense variant does not alter protein structure/function; Has not been previously published as pathogenic or benign to our knowledge

NM_015107.3(PHF8):c.719G>A (p.Arg240Gln)

Gene: PHF8 (PHD finger protein 8; minus strand). Cytogenetic location: Xp11.22.
Variant type: single nucleotide variant.
Coding change: c.719G>A on transcript NM_015107.3 (MANE Select); coding-DNA position 719, G replaced by A.
Protein change: p.Arg240Gln; replaces arginine 240 with glutamine.
Molecular consequence: missense variant.
Genome position (GRCh38, 1-based): chrX:54,014,441, C>T on the plus strand (G>A on the coding strand, the complement: PHF8 is on the minus strand). VCF-style: chrX-54014441-C-T. GRCh37 (hg19) VCF-style: chrX-54040874-C-T.
Other names: c.827G>A, p.Arg276Gln (NM_001184896.1); c.719G>A, p.Arg240Gln (NM_001184897.2, NM_001184898.2); short protein forms R276Q, R240Q.
Identifiers: ClinVar variation 3931630 (VCV003931630.2).